The following is an entry in ClinVar:

ClinVar aggregate classification (germline): Likely benign (0 of 4 stars; one submission).

Conditions:
TAPBP-related disorder. Also called: TAPBP-related condition.

Submission:

PreventionGenetics, part of Exact Sciences
Classification: Likely benign for TAPBP-related condition. Last evaluated: 2023-09-11. Review status: no assertion criteria provided. Collection method: clinical testing. Allele origin: germline.
Comment: This variant is classified as likely benign based on ACMG/AMP sequence variant interpretation guidelines (Richards et al. 2015 PMID: 25741868, with internal and published modifications).

NM_003190.5(TAPBP):c.33T>C (p.Ala11=)

Gene: TAPBP (TAP binding protein; minus strand). Cytogenetic location: 6p21.32.
Variant type: single nucleotide variant.
Coding change: c.33T>C on transcript NM_003190.5 (MANE Select); coding-DNA position 33, T replaced by C.
Protein change: p.Ala11=; no amino-acid change (alanine 11 retained).
Molecular consequence: synonymous variant.
Genome position (GRCh38, 1-based): chr6:33,314,009, A>G on the plus strand (T>C on the coding strand, the complement: TAPBP is on the minus strand). VCF-style: chr6-33314009-A-G. GRCh37 (hg19) VCF-style: chr6-33281786-A-G.
Other names: c.33T>C, p.Ala11= (NM_001410875.1, NM_172208.3, NM_172209.3).
Identifiers: ClinVar variation 3048248 (VCV003048248.2), dbSNP rs2536786030, ClinGen allele CA449837772.